The following is an entry in ClinVar:

NM_001040108.2(MLH3):c.3022C>G (p.Pro1008Ala)

Gene: MLH3 (mutL homolog 3; minus strand). Cytogenetic location: 14q24.3.
Variant type: single nucleotide variant.
Coding change: c.3022C>G on transcript NM_001040108.2 (MANE Select); coding-DNA position 3022, C replaced by G.
Protein change: p.Pro1008Ala; replaces proline 1008 with alanine.
Molecular consequence: missense variant.
Genome position (GRCh38, 1-based): chr14:75,046,634, G>C on the plus strand (C>G on the coding strand, the complement: MLH3 is on the minus strand). VCF-style: chr14-75046634-G-C. GRCh37 (hg19) VCF-style: chr14-75513337-G-C.
Other names: c.3022C>G, p.Pro1008Ala (NM_014381.3); short protein forms P1008A.
Identifiers: ClinVar variation 1395558 (VCV001395558.8), dbSNP rs2139550006, ClinGen allele CA390436857.

ClinVar aggregate classification (germline): Uncertain significance (1 of 4 stars; one submission).

Conditions:
Colorectal cancer, hereditary nonpolyposis, type 7. Identifiers: Orphanet 144, MedGen C1858380, MONDO:0013725, OMIM 614385.

Allele frequency attached by ClinVar (database versions not stated): gnomAD exomes below 0.00001.
gnomAD v4.1: 2 of 1,614,138 alleles (0.00012%); highest among the groups gnomAD compares: East Asian, 0.0022%; no homozygotes.

Submission:

Labcorp Genetics (formerly Invitae), Labcorp
Classification: Uncertain significance for Colorectal cancer, hereditary nonpolyposis, type 7. Last evaluated: 2025-11-18. Review status: criteria provided, single submitter. Criteria: Invitae Variant Classification Sherloc (09022015). Collection method: clinical testing. Allele origin: germline.
Comment: This sequence change replaces proline, which is neutral and non-polar, with alanine, which is neutral and non-polar, at codon 1008 of the MLH3 protein (p.Pro1008Ala). This variant is not present in population databases (gnomAD no frequency). This variant has not been reported in the literature in individuals affected with MLH3-related conditions. ClinVar contains an entry for this variant (Variation ID: 1395558). An algorithm developed to predict the effect of missense changes on protein structure and function (PolyPhen-2) suggests that this variant is likely to be tolerated. In summary, the available evidence is currently insufficient to determine the role of this variant in disease. Therefore, it has been classified as a Variant of Uncertain Significance.